The following is an entry in ClinVar:

ClinVar aggregate classification (germline): Uncertain significance (1 of 4 stars; one submission).

Conditions:
Myofibrillar myopathy 3 (MFM3). Also called: Muscular dystrophy, proximal, type 1A; Autosomal dominant spheroid body myopathy. Identifiers: Orphanet 266, Orphanet 268129, MedGen C3714934, MONDO:0012215, OMIM 609200.

Allele frequency attached by ClinVar (database versions not stated): gnomAD exomes below 0.00001; TOPMed 0.00001.

Submission:

Labcorp Genetics (formerly Invitae), Labcorp
Classification: Uncertain significance for Myofibrillar myopathy 3. Last evaluated: 2018-12-07. Review status: criteria provided, single submitter. Criteria: Invitae Variant Classification Sherloc (09022015). Collection method: clinical testing. Allele origin: germline.
Comment: Algorithms developed to predict the effect of missense changes on protein structure and function are either unavailable or do not agree on the potential impact of this missense change (SIFT: "Deleterious"; PolyPhen-2: "Possibly Damaging"; Align-GVGD: "Class C0"). In summary, the available evidence is currently insufficient to determine the role of this variant in disease. Therefore, it has been classified as a Variant of Uncertain Significance. This variant has not been reported in the literature in individuals with MYOT-related conditions. This variant is not present in population databases (ExAC no frequency). This sequence change replaces aspartic acid with histidine at codon 262 of the MYOT protein (p.Asp262His). The aspartic acid residue is weakly conserved and there is a moderate physicochemical difference between aspartic acid and histidine.

NM_006790.3(MYOT):c.784G>C (p.Asp262His)

Genes: PKD2L2-DT (PKD2L2 divergent transcript; minus strand), MYOT (myotilin; plus strand). Cytogenetic location: 5q31.2.
Variant type: single nucleotide variant.
Coding change: c.784G>C on transcript NM_006790.3 (MANE Select); coding-DNA position 784, G replaced by C.
Protein change: p.Asp262His; replaces aspartic acid 262 with histidine.
Molecular consequence: missense variant.
Genome position (GRCh38, 1-based): chr5:137,882,073, G>C. VCF-style: chr5-137882073-G-C. GRCh37 (hg19) VCF-style: chr5-137217762-G-C.
Other names: c.232G>C, p.Asp78His (NM_001135940.2); c.439G>C, p.Asp147His (NM_001300911.2); short protein forms D147H, D262H, D78H.
Identifiers: ClinVar variation 641132 (VCV000641132.9), dbSNP rs1271782226, ClinGen allele CA361055401.